The following is an entry in ClinVar:

NM_000059.4(BRCA2):c.7826del (p.Gly2609fs)

Gene: BRCA2 (BRCA2 DNA repair associated; plus strand). Cytogenetic location: 13q13.1.
Variant type: Deletion.
Coding change: c.7826del on transcript NM_000059.4 (MANE Select); coding-DNA position 7826, one base deleted (G; older notation c.7826delG).
Protein change: p.Gly2609fs; shifts the reading frame from glycine 2609.
Molecular consequence: frameshift variant. On other transcripts: non-coding transcript variant (1).
Genome position (GRCh38, 1-based): chr13:32,362,543, G deleted; the last of 2 consecutive G bases (chr13:32,362,542-32,362,543); deleting either gives the same sequence. VCF-style (leftmost placement, unchanged base first): chr13-32362541-AG-A. GRCh37 (hg19) VCF-style: chr13-32936678-AG-A.
Other names: c.7730del, p.Gly2577fs (NM_001406719.1); c.7826del, p.Gly2609fs (NM_001406720.1, NM_001432077.1); c.2894del, p.Gly965fs (NM_001406721.1); c.1409del, p.Gly470fs (NM_001406722.1); short protein forms G2577fs, G2609fs, G470fs, G965fs.
Identifiers: ClinVar variation 4867837 (VCV004867837.1).

ClinVar aggregate classification (germline): Pathogenic (1 of 4 stars; one submission).

Conditions:
Hereditary cancer-predisposing syndrome. Also called: Neoplastic Syndromes, Hereditary; Tumor predisposition; Hereditary Cancer Syndrome; Hereditary neoplastic syndrome. Identifiers: Orphanet 140162, MedGen C0027672, MeSH D009386, MONDO:0015356.

Submission:

Ambry Genetics
Classification: Pathogenic for Hereditary cancer-predisposing syndrome. Last evaluated: 2026-05-04. Review status: criteria provided, single submitter. Criteria: Ambry Variant Classification Scheme 2023. Collection method: clinical testing. Allele origin: germline.
Comment: The c.7826delG pathogenic mutation, located in coding exon 16 of the BRCA2 gene, results from a deletion of one nucleotide at nucleotide position 7826, causing a translational frameshift with a predicted alternate stop codon (p.G2609Vfs*39). This variant is considered to be rare based on population cohorts in the Genome Aggregation Database (gnomAD). This variant is expected to result in loss of function by premature protein truncation or nonsense-mediated mRNA decay. As such, this variant is interpreted as a disease-causing mutation.